The following is an entry in ClinVar:

ClinVar aggregate classification (germline): Uncertain significance (1 of 4 stars; one submission).

gnomAD v4.1: 3 of 1,614,082 alleles (0.00019%); highest among the groups gnomAD compares: South Asian, 0.0011%; no homozygotes.

Submission:

Labcorp Genetics (formerly Invitae), Labcorp
Classification: Uncertain significance. Last evaluated: 2025-12-09. Review status: criteria provided, single submitter. Criteria: Invitae Variant Classification Sherloc (09022015). Collection method: clinical testing. Allele origin: germline.
Comment: This sequence change replaces asparagine, which is neutral and polar, with serine, which is neutral and polar, at codon 496 of the HYOU1 protein (p.Asn496Ser). This variant is not present in population databases (gnomAD no frequency). This variant has not been reported in the literature in individuals affected with HYOU1-related conditions. An algorithm developed to predict the effect of missense changes on protein structure and function (PolyPhen-2) suggests that this variant is likely to be disruptive. In summary, the available evidence is currently insufficient to determine the role of this variant in disease. Therefore, it has been classified as a Variant of Uncertain Significance.

NM_006389.5(HYOU1):c.1487A>G (p.Asn496Ser)

Gene: HYOU1 (hypoxia up-regulated 1; minus strand). Cytogenetic location: 11q23.3.
Variant type: single nucleotide variant.
Coding change: c.1487A>G on transcript NM_006389.5 (MANE Select); coding-DNA position 1487, A replaced by G.
Protein change: p.Asn496Ser; replaces asparagine 496 with serine.
Molecular consequence: missense variant.
Genome position (GRCh38, 1-based): chr11:119,051,477, T>C on the plus strand (A>G on the coding strand, the complement: HYOU1 is on the minus strand). VCF-style: chr11-119051477-T-C. GRCh37 (hg19) VCF-style: chr11-118922189-T-C.
Other names: c.1487A>G, p.Asn496Ser (NM_001130991.3, NM_001411041.1); short protein forms N496S.
Identifiers: ClinVar variation 4703016 (VCV004703016.1).
Genomic context (GRCh38, chr11:119,051,477, plus strand): 5'-TCCTACACCCCTGCCCCTCACCGAAGATCTTCAGGCCCCAGGAAGCCCAGGTCGCCGTAG[T>C]TGATGTGGAAGTTGAAATCATGGCTGTAGCGGTTAAAGGTGATGACTTTGCGTTGAGGGT-3'
Protein context (NP_006380.1, residues 486-506): RYSHDFNFHI[Asn496Ser]YGDLGFLGPE